The following is an entry in ClinVar:

NM_001276270.2(MBD4):c.1154A>G (p.Asn385Ser)

Gene: MBD4 (methyl-CpG binding domain 4, DNA glycosylase; minus strand). Cytogenetic location: 3q21.3.
Variant type: single nucleotide variant.
Coding change: c.1154A>G on transcript NM_001276270.2 (MANE Select); coding-DNA position 1154, A replaced by G.
Protein change: p.Asn385Ser; replaces asparagine 385 with serine.
Molecular consequence: missense variant. On other transcripts: intron variant (1).
Genome position (GRCh38, 1-based): chr3:129,436,490, T>C on the plus strand (A>G on the coding strand, the complement: MBD4 is on the minus strand). VCF-style: chr3-129436490-T-C. GRCh37 (hg19) VCF-style: chr3-129155333-T-C.
Other names: c.1154A>G, p.Asn385Ser (NM_001276271.2, NM_001276272.2, NM_003925.3); c.247+1318A>G (NM_001276273.2); short protein forms N385S.
Identifiers: ClinVar variation 3543748 (VCV003543748.4).

ClinVar aggregate classification (germline): Conflicting classifications of pathogenicity. Review status: criteria provided, conflicting classifications (1 of 4 stars). 2 submissions from 2 submitters: Uncertain significance (1); Likely benign (1). Last evaluated 2025-04-19.

Conditions:
Inborn genetic diseases. Identifiers: MedGen C0950123, MeSH D030342.

Submissions (2):

Ambry Genetics
Classification: Likely benign for Inborn genetic diseases. Last evaluated: 2025-04-19. Review status: criteria provided, single submitter. Criteria: Ambry Variant Classification Scheme 2023. Collection method: clinical testing. Allele origin: germline.

Labcorp Genetics (formerly Invitae), Labcorp
Classification: Uncertain significance. Last evaluated: 2024-11-25. Review status: criteria provided, single submitter. Criteria: Invitae Variant Classification Sherloc (09022015). Collection method: clinical testing. Allele origin: germline.
Comment: This sequence change replaces asparagine, which is neutral and polar, with serine, which is neutral and polar, at codon 385 of the MBD4 protein (p.Asn385Ser). This variant is present in population databases (rs773659368, gnomAD 0.03%). This variant has not been reported in the literature in individuals affected with MBD4-related conditions. An algorithm developed to predict the effect of missense changes on protein structure and function outputs the following: PolyPhen-2: "Benign". The serine amino acid residue is found in multiple mammalian species, which suggests that this missense change does not adversely affect protein function. In summary, the available evidence is currently insufficient to determine the role of this variant in disease. Therefore, it has been classified as a Variant of Uncertain Significance.